The following is an entry in ClinVar:

ClinVar aggregate classification (germline): Likely benign. Review status: criteria provided, single submitter (1 of 4 stars). 2 submissions from 2 submitters: Likely benign (1). 1 of the submissions does not count toward it. Last evaluated 2026-09-01.

Conditions:
PPFIA3-related disorder.

Allele frequency attached by ClinVar (database versions not stated): ExAC 0.00067; gnomAD 0.00078; TOPMed 0.00088; ESP Exome Variant Server 0.00154; gnomAD exomes 0.00165.
gnomAD v4.1: 2,527 of 1,613,854 alleles (0.16%); highest among the groups gnomAD compares: Non-Finnish European, 0.2%; 2 homozygotes.

Submissions (2):

CeGaT Center for Human Genetics Tuebingen
Classification: Likely benign. Last evaluated: 2026-09-01. Review status: criteria provided, single submitter. Criteria: CeGaT Center For Human Genetics Tuebingen Variant Classification Criteria Version 2. Collection method: clinical testing. Allele origin: germline. Affected: yes. Observed: 2 variant alleles.
Comment: PPFIA3: BS1

Chao Lab, Baylor College of Medicine, Texas Children's Hospital
Classification: Likely pathogenic for PPFIA3-related disorder. Last evaluated: 2023-10-10. Review status: no assertion criteria provided. Collection method: clinical testing. Allele origin: maternal. Affected: yes. Not counted in ClinVar's aggregate classification.

NM_003660.4(PPFIA3):c.2377C>A (p.Pro793Thr)

Gene: PPFIA3 (PPFI scaffold protein A3; plus strand). Cytogenetic location: 19q13.33.
Variant type: single nucleotide variant.
Coding change: c.2377C>A on transcript NM_003660.4 (MANE Select); coding-DNA position 2377, C replaced by A.
Protein change: p.Pro793Thr; replaces proline 793 with threonine.
Molecular consequence: missense variant. On other transcripts: non-coding transcript variant (1).
Genome position (GRCh38, 1-based): chr19:49,141,428, C>A. VCF-style: chr19-49141428-C-A. GRCh37 (hg19) VCF-style: chr19-49644685-C-A.
Other names: short protein forms P793T.
Identifiers: ClinVar variation 2582781 (VCV002582781.8), dbSNP rs145252310, ClinGen allele CA9567529.